The following is an entry in ClinVar:

ClinVar aggregate classification (germline): Uncertain significance (1 of 4 stars; one submission).

Submission:

Athena Diagnostics
Classification: Uncertain significance. Last evaluated: 2025-01-07. Review status: criteria provided, single submitter. Criteria: Athena Diagnostics Criteria. Collection method: clinical testing. Allele origin: unknown.
Comment: Available data are insufficient to determine the clinical significance of the variant at this time. This variant has not been reported in large, multi-ethnic general populations. Computational tools yielded predictions that this variant may result in the gain of a cryptic splice site without affecting the natural splice sites. Polyphen and MutationTaster yielded discordant predictions regarding whether this amino acid change is damaging to the protein.

NM_000430.4(PAFAH1B1):c.1168A>C (p.Lys390Gln)

Gene: PAFAH1B1 (platelet activating factor acetylhydrolase 1b regulatory subunit 1; plus strand). Cytogenetic location: 17p13.3.
Variant type: single nucleotide variant.
Coding change: c.1168A>C on transcript NM_000430.4 (MANE Select); coding-DNA position 1168, A replaced by C.
Protein change: p.Lys390Gln; replaces lysine 390 with glutamine.
Molecular consequence: missense variant.
Genome position (GRCh38, 1-based): chr17:2,681,737, A>C. VCF-style: chr17-2681737-A-C. GRCh37 (hg19) VCF-style: chr17-2585031-A-C.
Other names: short protein forms K390Q.
Identifiers: ClinVar variation 4682309 (VCV004682309.1).